The following is an entry in ClinVar:

NM_001277062.2(MFF):c.148A>T (p.Ile50Leu)

Gene: MFF (mitochondrial fission factor; plus strand). Cytogenetic location: 2q36.3.
Variant type: single nucleotide variant.
Coding change: c.148A>T on transcript NM_001277062.2 (MANE Select); coding-DNA position 148, A replaced by T.
Protein change: p.Ile50Leu; replaces isoleucine 50 with leucine.
Molecular consequence: missense variant. On other transcripts: 5 prime UTR variant (1).
Genome position (GRCh38, 1-based): chr2:227,330,813, A>T. VCF-style: chr2-227330813-A-T. GRCh37 (hg19) VCF-style: chr2-228195529-A-T.
Other names: c.226A>T, p.Ile76Leu (NM_001277061.2, NM_020194.5); c.148A>T, p.Ile50Leu (NM_001277063.2, NM_001277064.2, NM_001277065.2 and 2 more transcripts); c.-3A>T (NM_001277067.1); c.226A>T (NM_020194.4); short protein forms I76L, I50L.
Identifiers: ClinVar variation 1473707 (VCV001473707.7), dbSNP rs2074516880, ClinGen allele CA350869551.

ClinVar aggregate classification (germline): Uncertain significance. Review status: criteria provided, multiple submitters, no conflicts (2 of 4 stars). 2 submissions from 2 submitters: Uncertain significance (2). Last evaluated 2025-10-07.

Conditions:
Inborn genetic diseases. Identifiers: MedGen C0950123, MeSH D030342.

Allele frequency attached by ClinVar (database versions not stated): gnomAD exomes below 0.00001; TOPMed below 0.00001.
gnomAD v4.1: 1 of 1,614,230 alleles (0.000062%); highest among the groups gnomAD compares: Admixed American, 0.0017%; no homozygotes.

Submissions (2):

Ambry Genetics
Classification: Uncertain significance for Inborn genetic diseases. Last evaluated: 2025-10-07. Review status: criteria provided, single submitter. Criteria: Ambry Variant Classification Scheme 2023. Collection method: clinical testing. Allele origin: germline.

Labcorp Genetics (formerly Invitae), Labcorp
Classification: Uncertain significance. Last evaluated: 2025-06-08. Review status: criteria provided, single submitter. Criteria: Invitae Variant Classification Sherloc (09022015). Collection method: clinical testing. Allele origin: germline.
Comment: This sequence change replaces isoleucine, which is neutral and non-polar, with leucine, which is neutral and non-polar, at codon 76 of the MFF protein (p.Ile76Leu). This variant is not present in population databases (gnomAD no frequency). This variant has not been reported in the literature in individuals affected with MFF-related conditions. ClinVar contains an entry for this variant (Variation ID: 1473707). An algorithm developed to predict the effect of missense changes on protein structure and function (PolyPhen-2) suggests that this variant is likely to be tolerated. In summary, the available evidence is currently insufficient to determine the role of this variant in disease. Therefore, it has been classified as a Variant of Uncertain Significance.